The following is an entry in ClinVar:

NC_000015.9:g.(?_45386348)_(45390276_?)del

Gene: DUOX2 (dual oxidase 2; minus strand). Cytogenetic location: 15q21.1.
Variant type: Deletion.
Identifiers: ClinVar variation 3243884 (VCV003243884.1).

ClinVar aggregate classification (germline): Pathogenic (1 of 4 stars; one submission).

Submission:

Labcorp Genetics (formerly Invitae), Labcorp
Classification: Pathogenic. Last evaluated: 2023-02-02. Review status: criteria provided, single submitter. Criteria: Invitae Variant Classification Sherloc (09022015). Collection method: clinical testing. Allele origin: unknown.
Comment: For these reasons, this variant has been classified as Pathogenic. This variant disrupts a region of the DUOX2 protein in which other variant(s) (p.Gly1518Ser) have been determined to be pathogenic (PMID: 20187165, 31030636). This suggests that this is a clinically significant region of the protein, and that variants that disrupt it are likely to be disease-causing. This variant has not been reported in the literature in individuals affected with DUOX2-related conditions. This variant is a gross deletion of the genomic region encompassing exon(s) 27-34 of the DUOX2 gene, which includes the termination codon. This deletion extends beyond the assayed region for this gene and therefore may encompass additional genes. While this deletion is not anticipated to lead to nonsense mediated decay, it is expected to alter mRNA translation or result in a truncated protein product.

Literature cited by the submitters: PubMed 20187165; PubMed 31030636.